The following is an entry in ClinVar:

ClinVar aggregate classification (germline): Benign. Review status: no assertion criteria provided (0 of 4 stars). 2 submissions from 1 submitter: Benign (1). 1 of the submissions does not count toward it. Last evaluated 2013-08-26.

Submissions (2):

ISCA site 4
Classification: Benign. Last evaluated: 2013-08-26. Review status: no assertion criteria provided. Collection method: clinical testing. Allele origin: unknown. Affected: yes. Observed: 12 variant alleles. Clinical features observed: Developmental delay AND/OR other significant developmental or morphological phenotypes, Global developmental delay (HP:0001263), Autistic behavior (HP:0000729), Global developmental delay (HP:0002532).

ISCA site 4
Classification: Benign. Last evaluated: 2011-08-12. Review status: flagged submission. Criteria: Kaminsky et al. (Genet Med. 2011). Collection method: clinical testing. Allele origin: unknown. Affected: yes. Observed: 6 variant alleles. Clinical features observed: Congenital diaphragmatic hernia (HP:0000776), Developmental delay AND/OR other significant developmental or morphological phenotypes, Cleft upper lip (HP:0000204), Global developmental delay (HP:0001263). Not counted in ClinVar's aggregate classification.
Comment: Copy number variation identified through the course of routine clinical cytogenomic testing in postnatal populations. Clinical assertions have been curated as described in Kaminsky et al. 2011.
ClinVar note: Reason: This record appears to be redundant with a more recent record from the same submitter.
ClinVar note: Notes: SCV000077574 appears to be redundant with SCV000172985.

GRCh38/hg38 5q13.2(chr5:70436365-71291191)x1

Genes: GTF2H2 (general transcription factor IIH subunit 2; minus strand), NAIP (NLR family apoptosis inhibitory protein), SERF1A (small EDRK-rich factor 1A), SMN1 (survival of motor neuron 1, telomeric), SMN1-AS1 (SMN1 antisense RNA 1) and 2 more. Cytogenetic location: 5q13.2.
Variant type: copy number loss.
Change: copy number 1 (one copy instead of two) of chr5:70,436,365-71,291,191 (854.8 kb, GRCh38 coordinates, 1-based), cytogenetic band 5q13.2.
Identifiers: ClinVar variation 32199 (VCV000032199.3).